The following is an entry in ClinVar:

ClinVar aggregate classification (germline): Uncertain significance. Review status: criteria provided, multiple submitters, no conflicts (2 of 4 stars). 4 submissions from 4 submitters: Uncertain significance (4). Last evaluated 2025-03-16.

Conditions:
Mitochondrial complex II deficiency, nuclear type 1. Also called: SUCCINATE CoQ REDUCTASE DEFICIENCY. Identifiers: Orphanet 3208, MedGen C5700310, MONDO:0100294, OMIM 252011.
Pheochromocytoma/paraganglioma syndrome 5. Also called: Paragangliomas 5; SDHA-Related Hereditary Paraganglioma-Pheochromocytoma Syndrome. Identifiers: Orphanet 29072, MedGen C3279992, MONDO:0013602, OMIM 614165.
Dilated cardiomyopathy 1GG (CMD1GG). Identifiers: Orphanet 154, MedGen C3150898, MONDO:0013339, OMIM 613642.

Allele frequency attached by ClinVar (database versions not stated): gnomAD exomes below 0.00001 and 0.00001; TOPMed below 0.00001.
gnomAD v4.1: 5 of 1,613,940 alleles (0.00031%); highest among the groups gnomAD compares: Non-Finnish European, 0.00025%; no homozygotes.

Submissions (4):

Labcorp Genetics (formerly Invitae), Labcorp
Classification: Uncertain significance for Pheochromocytoma/paraganglioma syndrome 5; Mitochondrial complex II deficiency, nuclear type 1. Last evaluated: 2025-03-16. Review status: criteria provided, single submitter. Criteria: Invitae Variant Classification Sherloc (09022015). Collection method: clinical testing. Allele origin: germline.
Comment: This sequence change replaces proline, which is neutral and non-polar, with serine, which is neutral and polar, at codon 297 of the SDHA protein (p.Pro297Ser). This variant is present in population databases (no rsID available, gnomAD 0.002%). This missense change has been observed in individual(s) with head and neck paraganglioma (PMID: 29177515). ClinVar contains an entry for this variant (Variation ID: 849972). Invitae Evidence Modeling of protein sequence and biophysical properties (such as structural, functional, and spatial information, amino acid conservation, physicochemical variation, residue mobility, and thermodynamic stability) has been performed for this missense variant. However, the output from this modeling did not meet the statistical confidence thresholds required to predict the impact of this variant on SDHA protein function. In summary, the available evidence is currently insufficient to determine the role of this variant in disease. Therefore, it has been classified as a Variant of Uncertain Significance.

Quest Diagnostics Nichols Institute San Juan Capistrano
Classification: Uncertain significance. Last evaluated: 2025-02-25. Review status: criteria provided, single submitter. Criteria: Quest Diagnostics criteria. Collection method: clinical testing. Allele origin: unknown.
Comment: The SDHA c.889C>T (p.Pro297Ser) variant has been reported in the published literature in individuals affected with paragangliomas (PGL) (PMID: 29305721 (2018), 29177515 (2018)) and an individual with a clival chordoma (PMID: 38700789 (2024)). The frequency of this variant in the general population (Genome Aggregation Database) is uninformative in the assessment of its pathogenicity. Analysis of this variant using bioinformatics tools for the prediction of the effect of amino acid changes on protein structure and function yielded predictions that this variant is damaging. Based on the available information, we are unable to determine the clinical significance of this variant.

Baylor Genetics
Classification: Uncertain significance for Dilated cardiomyopathy 1GG. Last evaluated: 2024-03-19. Review status: criteria provided, single submitter. Criteria: ACMG Guidelines, 2015. Collection method: clinical testing. Allele origin: unknown.

Blueprint Genetics
Classification: Uncertain significance. Last evaluated: 2022-11-30. Review status: criteria provided, single submitter. Criteria: ACMG Guidelines, 2015. Collection method: clinical testing. Allele origin: germline.

Literature cited by the submitters: PubMed 29177515 (cited by Labcorp Genetics (formerly Invitae), Labcorp and Quest Diagnostics Nichols Institute San Juan Capistrano); PubMed 38700789 (cited by Quest Diagnostics Nichols Institute San Juan Capistrano); PubMed 29305721 (cited by Quest Diagnostics Nichols Institute San Juan Capistrano).

NM_004168.4(SDHA):c.889C>T (p.Pro297Ser)

Gene: SDHA (succinate dehydrogenase complex flavoprotein subunit A; plus strand). Cytogenetic location: 5p15.33.
Variant type: single nucleotide variant.
Coding change: c.889C>T on transcript NM_004168.4 (MANE Select); coding-DNA position 889, C replaced by T.
Protein change: p.Pro297Ser; replaces proline 297 with serine.
Molecular consequence: missense variant.
Genome position (GRCh38, 1-based): chr5:230,994, C>T. VCF-style: chr5-230994-C-T. GRCh37 (hg19) VCF-style: chr5-231109-C-T.
Other names: c.745C>T, p.Pro249Ser (NM_001294332.2); c.889C>T, p.Pro297Ser (NM_001330758.2); short protein forms P249S, P297S.
Identifiers: ClinVar variation 849972 (VCV000849972.12), dbSNP rs1224049075, ClinGen allele CA359012079.
Genomic context (GRCh38, chr5:230,994, plus strand): 5'-ACGGCCATGATCACCAGGGCAGGCCTTCCTTGCCAGGACCTAGAGTTTGTTCAGTTCCAC[C>T]CTACAGGTAGGGCAGGACGCCTTGCCCGGCAGGTGTTTGGCTTGTGTGTGTCTTGTAAGC-3'
Protein context (NP_004159.2, residues 287-307): CQDLEFVQFH[Pro297Ser]TGIYGAGCLI